The following is an entry in ClinVar:

ClinVar aggregate classification (germline): Uncertain significance (1 of 4 stars; one submission).

Conditions:
Familial cold autoinflammatory syndrome 3 (FCAS3). Also called: ANTIBODY DEFICIENCY AND IMMUNE DYSREGULATION, PLCG2-ASSOCIATED; FAMILIAL ATYPICAL COLD URTICARIA. Identifiers: Orphanet 300359, MedGen C3280914, MONDO:0013766, OMIM 614468.

Allele frequency attached by ClinVar (database versions not stated): gnomAD exomes below 0.00001.
gnomAD v4.1: 1 of 1,614,082 alleles (0.000062%); highest among the groups gnomAD compares: Non-Finnish European, 0.000085%; no homozygotes.

Submission:

Labcorp Genetics (formerly Invitae), Labcorp
Classification: Uncertain significance for Familial cold autoinflammatory syndrome 3. Last evaluated: 2019-04-28. Review status: criteria provided, single submitter. Criteria: Invitae Variant Classification Sherloc (09022015). Collection method: clinical testing. Allele origin: germline.
Comment: In summary, the available evidence is currently insufficient to determine the role of this variant in disease. Therefore, it has been classified as a Variant of Uncertain Significance. Algorithms developed to predict the effect of missense changes on protein structure and function are either unavailable or do not agree on the potential impact of this missense change (SIFT: "Deleterious"; PolyPhen-2: "Possibly Damaging"; Align-GVGD: "Class C0"). This variant has not been reported in the literature in individuals with PLCG2-related conditions. This variant is not present in population databases (ExAC no frequency). This sequence change replaces tyrosine with histidine at codon 1197 of the PLCG2 protein (p.Tyr1197His). The tyrosine residue is highly conserved and there is a moderate physicochemical difference between tyrosine and histidine.

NM_002661.5(PLCG2):c.3589T>C (p.Tyr1197His)

Gene: PLCG2 (phospholipase C gamma 2; plus strand). Cytogenetic location: 16q23.3.
Variant type: single nucleotide variant.
Coding change: c.3589T>C on transcript NM_002661.5 (MANE Select); coding-DNA position 3589, T replaced by C.
Protein change: p.Tyr1197His; replaces tyrosine 1197 with histidine.
Molecular consequence: missense variant.
Genome position (GRCh38, 1-based): chr16:81,956,713, T>C. VCF-style: chr16-81956713-T-C. GRCh37 (hg19) VCF-style: chr16-81990318-T-C.
Other names: short protein forms Y1197H.
Identifiers: ClinVar variation 850122 (VCV000850122.9), dbSNP rs1388794490, ClinGen allele CA396898201.